The following is an entry in ClinVar:

ClinVar aggregate classification (germline): Uncertain significance. Review status: criteria provided, multiple submitters, no conflicts (2 of 4 stars). 2 submissions from 2 submitters: Uncertain significance (2). Last evaluated 2025-07-12.

Conditions:
Cardiovascular phenotype. Identifiers: MedGen CN230736.
Hereditary cancer-predisposing syndrome. Also called: Hereditary Cancer Syndrome; Tumor predisposition; Neoplastic Syndromes, Hereditary; Hereditary neoplastic syndrome. Identifiers: Orphanet 140162, MedGen C0027672, MeSH D009386, MONDO:0015356.

Submissions (2):

Ambry Genetics
Classification: Uncertain significance for Cardiovascular phenotype; Hereditary cancer-predisposing syndrome. Last evaluated: 2025-07-12. Review status: criteria provided, single submitter. Criteria: Ambry Variant Classification Scheme 2023. Collection method: clinical testing. Allele origin: germline.
Comment: The p.C667S variant (also known as c.2000G>C), located in coding exon 17 of the LZTR1 gene, results from a G to C substitution at nucleotide position 2000. The cysteine at codon 667 is replaced by serine, an amino acid with dissimilar properties. This amino acid position is conserved. In addition, this alteration is predicted to be deleterious by in silico analysis. Based on the available evidence, the clinical significance of this variant remains unclear.

Labcorp Genetics (formerly Invitae), Labcorp
Classification: Uncertain significance. Last evaluated: 2023-09-30. Review status: criteria provided, single submitter. Criteria: Invitae Variant Classification Sherloc (09022015). Collection method: clinical testing. Allele origin: germline.
Comment: This sequence change replaces cysteine, which is neutral and slightly polar, with serine, which is neutral and polar, at codon 667 of the LZTR1 protein (p.Cys667Ser). This variant is present in population databases (no rsID available, gnomAD 0.006%). This variant has not been reported in the literature in individuals affected with LZTR1-related conditions. Advanced modeling of protein sequence and biophysical properties (such as structural, functional, and spatial information, amino acid conservation, physicochemical variation, residue mobility, and thermodynamic stability) performed at Invitae indicates that this missense variant is not expected to disrupt LZTR1 protein function. In summary, the available evidence is currently insufficient to determine the role of this variant in disease. Therefore, it has been classified as a Variant of Uncertain Significance.

NM_006767.4(LZTR1):c.2000G>C (p.Cys667Ser)

Gene: LZTR1 (leucine zipper like post translational regulator 1; plus strand). Cytogenetic location: 22q11.21.
Variant type: single nucleotide variant.
Coding change: c.2000G>C on transcript NM_006767.4 (MANE Select); coding-DNA position 2000, G replaced by C.
Protein change: p.Cys667Ser; replaces cysteine 667 with serine.
Molecular consequence: missense variant.
Genome position (GRCh38, 1-based): chr22:20,995,803, G>C. VCF-style: chr22-20995803-G-C. GRCh37 (hg19) VCF-style: chr22-21350092-G-C.
Other names: c.2000G>C (NM_006767.3); short protein forms C667S.
Identifiers: ClinVar variation 2729580 (VCV002729580.4), dbSNP rs1306708803, ClinGen allele CA410779038.